The following is an entry in ClinVar:

NM_020312.4(COQ9):c.607-3C>T

Gene: COQ9 (coenzyme Q9; plus strand). Cytogenetic location: 16q21.
Variant type: single nucleotide variant.
Coding change: c.607-3C>T on transcript NM_020312.4 (MANE Select); 3 bases into the intron before coding-DNA position 607, C replaced by T.
Molecular consequence: intron variant.
Genome position (GRCh38, 1-based): chr16:57,458,243, C>T. VCF-style: chr16-57458243-C-T. GRCh37 (hg19) VCF-style: chr16-57492155-C-T.
Identifiers: ClinVar variation 5000899 (VCV005000899.1).

ClinVar aggregate classification (germline): Likely benign (1 of 4 stars; one submission).

Conditions:
COQ9-related disorder. Also called: COQ9-related condition.

Submission:

PreventionGenetics, part of Exact Sciences
Classification: Likely benign for COQ9-related condition. Last evaluated: 2024-11-07. Review status: criteria provided, single submitter. Criteria: ACMG Guidelines, 2015. Collection method: clinical testing. Allele origin: germline.
Comment: This variant is classified as likely benign based on ACMG/AMP sequence variant interpretation guidelines (Richards et al. 2015 PMID: 25741868, with internal and published modifications).